The following is an entry in ClinVar:

NM_001127222.2(CACNA1A):c.3331G>T (p.Ala1111Ser)

Gene: CACNA1A (calcium voltage-gated channel subunit alpha1 A; minus strand). Cytogenetic location: 19p13.13.
Variant type: single nucleotide variant.
Coding change: c.3331G>T on transcript NM_001127222.2 (MANE Select); coding-DNA position 3331, G replaced by T.
Protein change: p.Ala1111Ser; replaces alanine 1111 with serine.
Molecular consequence: missense variant.
Genome position (GRCh38, 1-based): chr19:13,286,725, C>A on the plus strand (G>T on the coding strand, the complement: CACNA1A is on the minus strand). VCF-style: chr19-13286725-C-A. GRCh37 (hg19) VCF-style: chr19-13397539-C-A.
Other names: c.3343G>T, p.Ala1115Ser (NM_000068.4, NM_023035.3); c.3334G>T, p.Ala1112Ser (NM_001127221.2, NM_001174080.2); c.3331G>T (NM_001127222.1); short protein forms A1112S, A1115S, A1111S.
Identifiers: ClinVar variation 575678 (VCV000575678.16), dbSNP rs1215692574, ClinGen allele CA404341580.
Genomic context (GRCh38, chr19:13,286,725, plus strand): 5'-GGTTCCCCGGGTTGTTGGGCGTCCGGCGGCTGGCGGCGTTCTGGGGGTTGGTGGCCATGG[C>A]AGGGATGGCCAGCATGGGGCCGGGGTCGGTGCTGTTTCCCATCTTGGCTGGGCTCTGGGG-3'
Protein context (NP_001120694.1, residues 1101-1121): TDPGPMLAIP[Ala1111Ser]MATNPQNAAS

ClinVar aggregate classification (germline): Uncertain significance. Review status: criteria provided, multiple submitters, no conflicts (2 of 4 stars). 4 submissions from 4 submitters: Uncertain significance (4). Last evaluated 2025-01-11.

Conditions:
Inborn genetic diseases. Identifiers: MedGen C0950123, MeSH D030342.
CACNA1A-related disorder. Also called: CACNA1A-related condition.
Episodic ataxia type 2 (EA2). Also called: ACETAZOLAMIDE-RESPONSIVE HEREDITARY PAROXYSMAL CEREBELLAR ATAXIA; ATAXIA, EPISODIC, WITH NYSTAGMUS; ATAXIA, FAMILIAL PAROXYSMAL; CEREBELLAR ATAXIA, PAROXYSMAL, ACETAZOLAMIDE-RESPONSIVE; CEREBELLOPATHY, HEREDITARY PAROXYSMAL; EPISODIC ATAXIA, NYSTAGMUS-ASSOCIATED. Identifiers: Orphanet 97, MedGen C1720416, MONDO:0007163, OMIM 108500.
Developmental and epileptic encephalopathy, 42 (DEE42A). Also called: DEVELOPMENTAL AND EPILEPTIC ENCEPHALOPATHY 42A; EPILEPTIC ENCEPHALOPATHY, EARLY INFANTILE, 42A; Epileptic encephalopathy, early infantile, 42. Identifiers: MedGen C4310716, MONDO:0014917, OMIM 617106.

Allele frequency attached by ClinVar (database versions not stated): gnomAD exomes below 0.00001; TOPMed below 0.00001; gnomAD 0.00001.
gnomAD v4.1: 3 of 1,596,938 alleles (0.00019%); highest among the groups gnomAD compares: Non-Finnish European, 0.00026%; no homozygotes.

Submissions (4):

Labcorp Genetics (formerly Invitae), Labcorp
Classification: Uncertain significance for Developmental and epileptic encephalopathy, 42; Episodic ataxia type 2. Last evaluated: 2025-01-11. Review status: criteria provided, single submitter. Criteria: Invitae Variant Classification Sherloc (09022015). Collection method: clinical testing. Allele origin: germline.
Comment: This sequence change replaces alanine, which is neutral and non-polar, with serine, which is neutral and polar, at codon 1112 of the CACNA1A protein (p.Ala1112Ser). This variant is not present in population databases (gnomAD no frequency). This variant has not been reported in the literature in individuals affected with CACNA1A-related conditions. ClinVar contains an entry for this variant (Variation ID: 575678). Invitae Evidence Modeling of protein sequence and biophysical properties (such as structural, functional, and spatial information, amino acid conservation, physicochemical variation, residue mobility, and thermodynamic stability) indicates that this missense variant is not expected to disrupt CACNA1A protein function with a negative predictive value of 95%. In summary, the available evidence is currently insufficient to determine the role of this variant in disease. Therefore, it has been classified as a Variant of Uncertain Significance.

PreventionGenetics, part of Exact Sciences
Classification: Uncertain significance for CACNA1A-related condition. Last evaluated: 2024-10-07. Review status: criteria provided, single submitter. Criteria: ACMG Guidelines, 2015. Collection method: clinical testing. Allele origin: germline.
Comment: The CACNA1A c.3331G>T variant is predicted to result in the amino acid substitution p.Ala1111Ser. To our knowledge, this variant has not been reported in the literature or in a large population database, indicating this variant is rare. At this time, the clinical significance of this variant is uncertain due to the absence of conclusive functional and genetic evidence.

GeneDx
Classification: Uncertain significance. Last evaluated: 2023-07-04. Review status: criteria provided, single submitter. Criteria: GeneDx Variant Classification Process June 2021. Collection method: clinical testing. Allele origin: germline. Affected: yes.
Comment: Not observed at significant frequency in large population cohorts (gnomAD); In silico analysis supports that this missense variant does not alter protein structure/function; Has not been previously published as pathogenic or benign to our knowledge

Ambry Genetics
Classification: Uncertain significance for Inborn genetic diseases. Last evaluated: 2018-07-19. Review status: criteria provided, single submitter. Criteria: Ambry Variant Classification Scheme 2023. Collection method: clinical testing. Allele origin: germline.
Comment: The p.A1112S variant (also known as c.3334G>T), located in coding exon 20 of the CACNA1A gene, results from a G to T substitution at nucleotide position 3334. The alanine at codon 1112 is replaced by serine, an amino acid with similar properties. This amino acid position is not conserved on limited sequence alignment. In addition, this alteration is predicted to be tolerated by in silico analysis. Since supporting evidence is limited at this time, the clinical significance of this alteration remains unclear.